The following is an entry in ClinVar:

ClinVar aggregate classification (germline): Uncertain significance (1 of 4 stars; one submission).

Conditions:
Familial focal epilepsy with variable foci (FPEVF). Identifiers: Orphanet 98820, MedGen C1858477, MONDO:0020310.

Allele frequency attached by ClinVar (database versions not stated): TOPMed 0.00003; 1000 Genomes Project 30x 0.00016; gnomAD exomes 0.00001; ExAC 0.00002; gnomAD 0.00003.

Submission:

Labcorp Genetics (formerly Invitae), Labcorp
Classification: Uncertain significance for Familial focal epilepsy with variable foci. Last evaluated: 2026-01-21. Review status: criteria provided, single submitter. Criteria: Invitae Variant Classification Sherloc (09022015). Collection method: clinical testing. Allele origin: germline.
Comment: This sequence change replaces arginine, which is basic and polar, with histidine, which is basic and polar, at codon 389 of the DEPDC5 protein (p.Arg389His). This variant is present in population databases (rs768332862, gnomAD 0.003%). This variant has not been reported in the literature in individuals affected with DEPDC5-related conditions. ClinVar contains an entry for this variant (Variation ID: 573085). An algorithm developed to predict the effect of missense changes on protein structure and function outputs the following: PolyPhen-2: "Not Available". The histidine amino acid residue is found in multiple mammalian species, which suggests that this missense change does not adversely affect protein function. In summary, the available evidence is currently insufficient to determine the role of this variant in disease. Therefore, it has been classified as a Variant of Uncertain Significance.

NM_001242896.3(DEPDC5):c.1166G>A (p.Arg389His)

Gene: DEPDC5 (DEP domain containing 5, GATOR1 subcomplex subunit; plus strand). Cytogenetic location: 22q12.3.
Variant type: single nucleotide variant.
Coding change: c.1166G>A on transcript NM_001242896.3 (MANE Select); coding-DNA position 1166, G replaced by A.
Protein change: p.Arg389His; replaces arginine 389 with histidine.
Molecular consequence: missense variant. On other transcripts: non-coding transcript variant (5).
Genome position (GRCh38, 1-based): chr22:31,804,864, G>A. VCF-style: chr22-31804864-G-A. GRCh37 (hg19) VCF-style: chr22-32200850-G-A.
Other names: c.1166G>A, p.Arg389His (NM_001242897.2, NM_001363852.2, NM_001363854.2 and 7 more transcripts); c.1082G>A, p.Arg361His (NM_001369901.1, NM_001369902.1); short protein forms R389H, R361H.
Identifiers: ClinVar variation 573085 (VCV000573085.8), dbSNP rs768332862, ClinGen allele CA10196265.